The following is an entry in ClinVar:

NM_003995.4(NPR2):c.803G>A (p.Arg268His)

Gene: NPR2 (natriuretic peptide receptor 2; plus strand). Cytogenetic location: 9p13.3.
Variant type: single nucleotide variant.
Coding change: c.803G>A on transcript NM_003995.4 (MANE Select); coding-DNA position 803, G replaced by A.
Protein change: p.Arg268His; replaces arginine 268 with histidine.
Molecular consequence: missense variant.
Genome position (GRCh38, 1-based): chr9:35,794,033, G>A. VCF-style: chr9-35794033-G-A. GRCh37 (hg19) VCF-style: chr9-35794030-G-A.
Other names: c.803G>A (NM_003995.3); c.803G>A, p.Arg268His (NM_001378923.1); short protein forms R268H.
Identifiers: ClinVar variation 2940854 (VCV002940854.4), dbSNP rs750781508, ClinGen allele CA5051515.
Genomic context (GRCh38, chr9:35,794,033, plus strand): 5'-GGGATTATGTCTTCTTTTACCTGGATGTCTTTGGGGAGAGTCTCCGTGCAGGCCCCACAC[G>A]TGCTACAGGCCGGCCCTGGCAGGACAATCGCACCCGGGAACAGGCCCAGGCCCTCAGAGA-3'
Protein context (NP_003986.2, residues 258-278): FGESLRAGPT[Arg268His]ATGRPWQDNR

ClinVar aggregate classification (germline): Uncertain significance. Review status: criteria provided, multiple submitters, no conflicts (2 of 4 stars). 2 submissions from 2 submitters: Uncertain significance (2). Last evaluated 2025-01-27.

Conditions:
Inborn genetic diseases. Identifiers: MedGen C0950123, MeSH D030342.
Acromesomelic dysplasia 1, Maroteaux type (AMD1). Also called: ST. HELENA DYSPLASIA; ACROMESOMELIC DYSPLASIA 1. Identifiers: Orphanet 40, MedGen C1864356, MONDO:0011275, OMIM 602875.
Tall stature-scoliosis-macrodactyly of the great toes syndrome. Also called: Epiphyseal chondrodysplasia, miura type. Identifiers: Orphanet 329191, MedGen C4014690, MONDO:0014401, OMIM 615923.

Allele frequency attached by ClinVar (database versions not stated): gnomAD exomes 0.00001; ExAC 0.00002; TOPMed 0.00003; gnomAD 0.00005.

Submissions (2):

Ambry Genetics
Classification: Uncertain significance for Inborn genetic diseases. Last evaluated: 2025-01-27. Review status: criteria provided, single submitter. Criteria: Ambry Variant Classification Scheme 2023. Collection method: clinical testing. Allele origin: germline.

Labcorp Genetics (formerly Invitae), Labcorp
Classification: Uncertain significance for Tall stature-scoliosis-macrodactyly of the great toes syndrome; Acromesomelic dysplasia 1, Maroteaux type. Last evaluated: 2024-01-03. Review status: criteria provided, single submitter. Criteria: Invitae Variant Classification Sherloc (09022015). Collection method: clinical testing. Allele origin: germline.
Comment: This sequence change replaces arginine, which is basic and polar, with histidine, which is basic and polar, at codon 268 of the NPR2 protein (p.Arg268His). This variant is present in population databases (rs750781508, gnomAD 0.008%). This variant has not been reported in the literature in individuals affected with NPR2-related conditions. An algorithm developed to predict the effect of missense changes on protein structure and function (PolyPhen-2) suggests that this variant is likely to be disruptive. In summary, the available evidence is currently insufficient to determine the role of this variant in disease. Therefore, it has been classified as a Variant of Uncertain Significance.